The following is an entry in ClinVar:

NM_001184.4(ATR):c.7802G>A (p.Gly2601Asp)

Gene: ATR (ATR checkpoint kinase; minus strand). Cytogenetic location: 3q23.
Variant type: single nucleotide variant.
Coding change: c.7802G>A on transcript NM_001184.4 (MANE Select); coding-DNA position 7802, G replaced by A.
Protein change: p.Gly2601Asp; replaces glycine 2601 with aspartic acid.
Molecular consequence: missense variant.
Genome position (GRCh38, 1-based): chr3:142,449,562, C>T on the plus strand (G>A on the coding strand, the complement: ATR is on the minus strand). VCF-style: chr3-142449562-C-T. GRCh37 (hg19) VCF-style: chr3-142168404-C-T.
Other names: c.7610G>A, p.Gly2537Asp (NM_001354579.2); short protein forms G2601D, G2537D.
Identifiers: ClinVar variation 963611 (VCV000963611.10), dbSNP rs2070733957, ClinGen allele CA354793904.

ClinVar aggregate classification (germline): Uncertain significance. Review status: criteria provided, multiple submitters, no conflicts (2 of 4 stars). 2 submissions from 2 submitters: Uncertain significance (2). Last evaluated 2024-11-05.

Conditions:
Inborn genetic diseases. Identifiers: MedGen C0950123, MeSH D030342.

Submissions (2):

Labcorp Genetics (formerly Invitae), Labcorp
Classification: Uncertain significance. Last evaluated: 2024-11-05. Review status: criteria provided, single submitter. Criteria: Invitae Variant Classification Sherloc (09022015). Collection method: clinical testing. Allele origin: germline.
Comment: This sequence change replaces glycine, which is neutral and non-polar, with aspartic acid, which is acidic and polar, at codon 2601 of the ATR protein (p.Gly2601Asp). This variant is not present in population databases (gnomAD no frequency). This variant has not been reported in the literature in individuals affected with ATR-related conditions. ClinVar contains an entry for this variant (Variation ID: 963611). An algorithm developed to predict the effect of missense changes on protein structure and function (PolyPhen-2) suggests that this variant is likely to be disruptive. In summary, the available evidence is currently insufficient to determine the role of this variant in disease. Therefore, it has been classified as a Variant of Uncertain Significance.

Ambry Genetics
Classification: Uncertain significance for Inborn genetic diseases. Last evaluated: 2024-06-25. Review status: criteria provided, single submitter. Criteria: Ambry Variant Classification Scheme 2023. Collection method: clinical testing. Allele origin: germline.
Comment: The p.G2601D variant (also known as c.7802G>A), located in coding exon 47 of the ATR gene, results from a G to A substitution at nucleotide position 7802. The glycine at codon 2601 is replaced by aspartic acid, an amino acid with similar properties. This amino acid position is conserved. In addition, the in silico prediction for this alteration is inconclusive. Based on the available evidence, the clinical significance of this variant remains unclear.